The following is an entry in ClinVar:

NM_000346.4(SOX9):c.628del (p.Asp210fs)

Gene: SOX9 (SRY-box transcription factor 9; plus strand). Cytogenetic location: 17q24.3.
Variant type: Deletion.
Coding change: c.628del on transcript NM_000346.4 (MANE Select); coding-DNA position 628, one base deleted (G; older notation c.628delG).
Protein change: p.Asp210fs; shifts the reading frame from aspartic acid 210.
Molecular consequence: frameshift variant.
Genome position (GRCh38, 1-based): chr17:72,122,915, G deleted. VCF-style (leftmost placement, unchanged base first): chr17-72122914-CG-C. GRCh37 (hg19) VCF-style: chr17-70119055-CG-C.
Other names: short protein forms D210fs.
Identifiers: ClinVar variation 546497 (VCV000546497.2), dbSNP rs1555629195, ClinGen allele CA658824946.

ClinVar aggregate classification (germline): Pathogenic (1 of 4 stars; one submission).

Submission:

GeneDx
Classification: Pathogenic. Last evaluated: 2018-05-23. Review status: criteria provided, single submitter. Criteria: GeneDx Variant Classification (06012015). Collection method: clinical testing. Allele origin: germline. Affected: yes.
Comment: The c.628delG variant has not been published as a pathogenic variant, nor has it been reported as a benign variant to our knowledge. The c.628delG variant is not observed in large population cohorts (Lek et al., 2016). The deletion causes a frameshift starting with codon Aspartic acid 210, changes this amino acid to a Threonine residue and creates a premature Stop codon at position 9 of the new reading frame, denoted p.Asp210ThrfsX9. This pathogenic variant is predicted to cause loss of normal protein function through protein truncation as the last 300 correct amino acids are replaced with 8 incorrect amino acids.